The following is an entry in ClinVar:

NM_144687.4(NLRP12):c.8G>A (p.Arg3Gln)

Gene: NLRP12 (NLR family pyrin domain containing 12; minus strand). Cytogenetic location: 19q13.42.
Variant type: single nucleotide variant.
Coding change: c.8G>A on transcript NM_144687.4 (MANE Select); coding-DNA position 8, G replaced by A.
Protein change: p.Arg3Gln; replaces arginine 3 with glutamine.
Molecular consequence: missense variant.
Genome position (GRCh38, 1-based): chr19:53,824,167, C>T on the plus strand (G>A on the coding strand, the complement: NLRP12 is on the minus strand). VCF-style: chr19-53824167-C-T. GRCh37 (hg19) VCF-style: chr19-54327421-C-T.
Other names: c.8G>A, p.Arg3Gln (NM_001277126.2, NM_001277129.1); c.8G>A (NM_144687.2); short protein forms R3Q.
Identifiers: ClinVar variation 2905822 (VCV002905822.5), dbSNP rs753733591, ClinGen allele CA9639864.

ClinVar aggregate classification (germline): Uncertain significance. Review status: criteria provided, multiple submitters, no conflicts (2 of 4 stars). 3 submissions from 3 submitters: Uncertain significance (3). Last evaluated 2026-04-08.

Conditions:
Inborn genetic diseases. Identifiers: MedGen C0950123, MeSH D030342.
Familial cold autoinflammatory syndrome 2 (FCAS2). Identifiers: Orphanet 247868, MedGen C2673198, MONDO:0012724, OMIM 611762.

Allele frequency attached by ClinVar (database versions not stated): ExAC 0.00002.
gnomAD v4.1: 26 of 1,613,796 alleles (0.0016%); highest among the groups gnomAD compares: Admixed American, 0.0033%; no homozygotes.

Submissions (3):

Clinical Genomics Laboratory, Washington University in St. Louis
Classification: Uncertain significance for Familial cold autoinflammatory syndrome 2. Last evaluated: 2026-04-08. Review status: criteria provided, single submitter. Criteria: ACMG Guidelines, 2015. Collection method: clinical testing. Allele origin: germline.
Comment: The NLRP12 c.8G>A (p.Arg3Gln) variant, to our knowledge, has not been reported in the medical literature. This variant has been reported in the ClinVar database as a germline variant of uncertain significance by two submitters. This variant is only observed in 26/1,613,796 alleles in the general population (gnomAD v4.1.0), indicating it is not a common variant. Computational predictors suggest that the variant does not impact NLRP12 function. Due to limited information, and based on ACMG/AMP guidelines for variant interpretation (Richards S et al., PMID: 25741868), the clinical significance of this variant is uncertain at this time.

Labcorp Genetics (formerly Invitae), Labcorp
Classification: Uncertain significance for Familial cold autoinflammatory syndrome 2. Last evaluated: 2025-12-09. Review status: criteria provided, single submitter. Criteria: Invitae Variant Classification Sherloc (09022015). Collection method: clinical testing. Allele origin: germline.
Comment: This sequence change replaces arginine, which is basic and polar, with glutamine, which is neutral and polar, at codon 3 of the NLRP12 protein (p.Arg3Gln). This variant is present in population databases (rs753733591, gnomAD 0.006%). This variant has not been reported in the literature in individuals affected with NLRP12-related conditions. ClinVar contains an entry for this variant (Variation ID: 2905822). An algorithm developed to predict the effect of missense changes on protein structure and function outputs the following: PolyPhen-2: "Benign". The glutamine amino acid residue is found in multiple mammalian species, which suggests that this missense change does not adversely affect protein function. Algorithms developed to predict the effect of sequence changes on RNA splicing suggest that this variant may create or strengthen a splice site. In summary, the available evidence is currently insufficient to determine the role of this variant in disease. Therefore, it has been classified as a Variant of Uncertain Significance.

Ambry Genetics
Classification: Uncertain significance for Inborn genetic diseases. Last evaluated: 2024-07-02. Review status: criteria provided, single submitter. Criteria: Ambry Variant Classification Scheme 2023. Collection method: clinical testing. Allele origin: germline.